The following is an entry in ClinVar:

ClinVar aggregate classification (germline): Likely pathogenic (1 of 4 stars; one submission).

Conditions:
Leber congenital amaurosis (LCA). Also called: Leber's amaurosis. Identifiers: Orphanet 65, MedGen C0339527, MeSH D057130, MONDO:0018998.

Submission:

Natera, Inc.
Classification: Likely pathogenic for Leber congenital amaurosis. Last evaluated: 2025-06-18. Review status: criteria provided, single submitter. Criteria: Natera Variant Classification Schema (03/2026). Collection method: clinical testing. Allele origin: germline.
Comment: The c.7035-1G>C variant in CEP290 is a canonical splice acceptor site variant predicted to affect pre-mRNA splicing, which may result in an abnormal transcript and altered protein product. This variant is expected to result in nonsense mediated decay, truncation, or a dysfunctional protein product. This variant is rare in the general population with a frequency below the threshold expected for the associated phenotype(s). Given the available evidence, this variant is classified as Likely Pathogenic.

NM_025114.4(CEP290):c.7035-1G>C

Gene: CEP290 (centrosomal protein 290; minus strand). Cytogenetic location: 12q21.32.
Variant type: single nucleotide variant.
Coding change: c.7035-1G>C on transcript NM_025114.4 (MANE Select); the canonical splice acceptor site of the intron before coding-DNA position 7035, G replaced by C.
Molecular consequence: splice acceptor variant.
Genome position (GRCh38, 1-based): chr12:88,053,747, C>G on the plus strand (G>C on the coding strand, the complement: CEP290 is on the minus strand). VCF-style: chr12-88053747-C-G. GRCh37 (hg19) VCF-style: chr12-88447524-C-G.
Identifiers: ClinVar variation 4816238 (VCV004816238.1).
Genomic context (GRCh38, chr12:88,053,747, plus strand): 5'-TTAGCTTCTATCTGATGGATTAATTCTGCTTTCTCTTTATCCAGCTGATGATTAGCTAAT[C>G]TAGAACACAATGATAATGTGTTAAAAAAATAAAGCAGATATTGCTTCATAAAATATATGG-3'